The following is an entry in ClinVar:

NM_001029883.3(PCARE):c.1388T>A (p.Val463Asp)

Gene: PCARE (photoreceptor cilium actin regulator; minus strand). Cytogenetic location: 2p23.2.
Variant type: single nucleotide variant.
Coding change: c.1388T>A on transcript NM_001029883.3 (MANE Select); coding-DNA position 1388, T replaced by A.
Protein change: p.Val463Asp; replaces valine 463 with aspartic acid.
Molecular consequence: missense variant.
Genome position (GRCh38, 1-based): chr2:29,072,874, A>T on the plus strand (T>A on the coding strand, the complement: PCARE is on the minus strand). VCF-style: chr2-29072874-A-T. GRCh37 (hg19) VCF-style: chr2-29295740-A-T.
Other names: short protein forms V463D.
Identifiers: ClinVar variation 1443237 (VCV001443237.7), dbSNP rs374926423, ClinGen allele CA1592432.
Genomic context (GRCh38, chr2:29,072,874, plus strand): 5'-TCACTAAGAGATGAAGCGTCCATCGGCCTGGAGGTTTTGGAAAGGTGTGGTTCCACAGAG[A>T]CCCCAATCCCAAAGGAATCACATGGGGTGCTTGTCCCCAGCTTCAAAGGTGGGGAGGTGA-3'
Protein context (NP_001025054.1, residues 453-473): STPCDSFGIG[Val463Asp]SVEPHLSKTS

ClinVar aggregate classification (germline): Uncertain significance. Review status: criteria provided, multiple submitters, no conflicts (2 of 4 stars). 2 submissions from 2 submitters: Uncertain significance (2). Last evaluated 2023-04-05.

Allele frequency attached by ClinVar (database versions not stated): gnomAD 0.00001; gnomAD exomes 0.00001 and 0.00004; TOPMed 0.00002; ExAC 0.00007; ESP Exome Variant Server 0.00008.

Submissions (2):

Blueprint Genetics
Classification: Uncertain significance. Last evaluated: 2023-04-05. Review status: criteria provided, single submitter. Criteria: ACMG Guidelines, 2015. Collection method: clinical testing. Allele origin: germline.

Labcorp Genetics (formerly Invitae), Labcorp
Classification: Uncertain significance. Last evaluated: 2022-01-06. Review status: criteria provided, single submitter. Criteria: Invitae Variant Classification Sherloc (09022015). Collection method: clinical testing. Allele origin: germline.
Comment: In summary, the available evidence is currently insufficient to determine the role of this variant in disease. Therefore, it has been classified as a Variant of Uncertain Significance. Algorithms developed to predict the effect of missense changes on protein structure and function are either unavailable or do not agree on the potential impact of this missense change (SIFT: "Deleterious"; PolyPhen-2: "Benign"; Align-GVGD: "Class C0"). This variant has not been reported in the literature in individuals affected with PCARE-related conditions. This variant is present in population databases (rs374926423, gnomAD 0.009%). This sequence change replaces valine, which is neutral and non-polar, with aspartic acid, which is acidic and polar, at codon 463 of the PCARE protein (p.Val463Asp).